The following is an entry in ClinVar:

NM_001361.5(DHODH):c.592G>A (p.Val198Met)

Gene: DHODH (dihydroorotate dehydrogenase (quinone); plus strand). Cytogenetic location: 16q22.2.
Variant type: single nucleotide variant.
Coding change: c.592G>A on transcript NM_001361.5 (MANE Select); coding-DNA position 592, G replaced by A.
Protein change: p.Val198Met; replaces valine 198 with methionine.
Molecular consequence: missense variant.
Genome position (GRCh38, 1-based): chr16:72,021,198, G>A. VCF-style: chr16-72021198-G-A. GRCh37 (hg19) VCF-style: chr16-72055097-G-A.
Other names: short protein forms V198M.
Identifiers: ClinVar variation 3581245 (VCV003581245.3).
Genomic context (GRCh38, chr16:72,021,198, plus strand): 5'-GGGGTCAACTTGGGGAAGAACAAGACCTCAGTGGACGCCGCGGAGGACTACGCAGAAGGG[G>A]TGCGCGTACTGGGCCCCCTGGCCGACTACCTGGTGGTGAATGTGTCCAGCCCCAACACTG-3'
Protein context (NP_001352.2, residues 188-208): VDAAEDYAEG[Val198Met]RVLGPLADYL

ClinVar aggregate classification (germline): Uncertain significance. Review status: criteria provided, multiple submitters, no conflicts (2 of 4 stars). 3 submissions from 3 submitters: Uncertain significance (3). Last evaluated 2026-09-03.

Conditions:
Inborn genetic diseases. Identifiers: MedGen C0950123, MeSH D030342.
Miller syndrome (POADS). Also called: GENEE-WIEDEMANN SYNDROME; Genee-Wiedemann acrofacial dysostosis. Identifiers: Orphanet 246, MedGen C0265257, MONDO:0009903, OMIM 263750.
DHODH-related disorder. Also called: DHODH-related condition.

gnomAD v4.1: 183 of 1,611,094 alleles (0.011%); highest among the groups gnomAD compares: South Asian, 0.046%; no homozygotes.

Submissions (3):

PreventionGenetics, part of Exact Sciences
Classification: Uncertain significance for DHODH-related condition. Last evaluated: 2026-09-03. Review status: criteria provided, single submitter. Criteria: ACMG Guidelines, 2015. Collection method: clinical testing. Allele origin: germline.
Comment: The DHODH c.592G>A variant is predicted to result in the amino acid substitution p.Val198Met. To our knowledge, this variant has not been reported in the literature. This variant is reported in 0.030% of alleles in individuals of South Asian descent in gnomAD. At this time, the clinical significance of this variant is uncertain due to the absence of conclusive functional and genetic evidence.

Ambry Genetics
Classification: Uncertain significance for Inborn genetic diseases. Last evaluated: 2025-08-08. Review status: criteria provided, single submitter. Criteria: Ambry Variant Classification Scheme 2023. Collection method: clinical testing. Allele origin: germline.

Fulgent Genetics
Classification: Uncertain significance for Miller syndrome. Last evaluated: 2024-06-16. Review status: criteria provided, single submitter. Criteria: ACMG Guidelines, 2015. Collection method: clinical testing. Allele origin: germline.